The following is an entry in ClinVar:

NM_000489.6(ATRX):c.2124A>G (p.Ile708Met)

Gene: ATRX (ATRX chromatin remodeler; minus strand). Cytogenetic location: Xq21.1.
Variant type: single nucleotide variant.
Coding change: c.2124A>G on transcript NM_000489.6 (MANE Select); coding-DNA position 2124, A replaced by G.
Protein change: p.Ile708Met; replaces isoleucine 708 with methionine.
Molecular consequence: missense variant.
Genome position (GRCh38, 1-based): chrX:77,683,132, T>C on the plus strand (A>G on the coding strand, the complement: ATRX is on the minus strand). VCF-style: chrX-77683132-T-C. GRCh37 (hg19) VCF-style: chrX-76938624-T-C.
Other names: c.2124A>G (NM_000489.4, NM_000489.3); c.2010A>G, p.Ile670Met (NM_138270.5); short protein forms I670M, I708M.
Identifiers: ClinVar variation 2079931 (VCV002079931.6), dbSNP rs782703008, ClinGen allele CA10458124.

ClinVar aggregate classification (germline): Conflicting classifications of pathogenicity. Review status: criteria provided, conflicting classifications (1 of 4 stars). 3 submissions from 3 submitters: Uncertain significance (2); Likely benign (1). Last evaluated 2025-06-18.

Conditions:
Alpha thalassemia-X-linked intellectual disability syndrome (ATRX). Also called: ALPHA-THALASSEMIA/MENTAL RETARDATION SYNDROME, X-LINKED; ATR, NONDELETION TYPE; ATR-X syndrome; Alpha thalassemia mental retardation syndrome, nondeletion type, X-linked; XLMR hypotonic face syndrome; X-linked alpha-thalassemia-mental retardation syndrome. Identifiers: Orphanet 847, MedGen C1845055, MONDO:0010519, OMIM 301040.
Inborn genetic diseases. Identifiers: MedGen C0950123, MeSH D030342.
ATRX-related disorder. Also called: ATRX-related condition.

Allele frequency attached by ClinVar (database versions not stated): ExAC 0.00001; TOPMed 0.00001; gnomAD 0.00002; 1000 Genomes Project 30x 0.00021; 1000 Genomes Project 0.00026.
gnomAD v4.1: 2 of 1,208,971 alleles (0.00017%); highest among the groups gnomAD compares: East Asian, 0.0059%; no homozygotes.

Submissions (3):

Ambry Genetics
Classification: Uncertain significance for Inborn genetic diseases. Last evaluated: 2025-06-18. Review status: criteria provided, single submitter. Criteria: Ambry Variant Classification Scheme 2023. Collection method: clinical testing. Allele origin: germline.

Labcorp Genetics (formerly Invitae), Labcorp
Classification: Likely benign for Alpha thalassemia-X-linked intellectual disability syndrome. Last evaluated: 2024-02-19. Review status: criteria provided, single submitter. Criteria: Invitae Variant Classification Sherloc (09022015). Collection method: clinical testing. Allele origin: germline.

PreventionGenetics, part of Exact Sciences
Classification: Uncertain significance for ATRX-related condition. Last evaluated: 2023-01-31. Review status: criteria provided, single submitter. Criteria: ACMG Guidelines, 2015. Collection method: clinical testing. Allele origin: germline.
Comment: The ATRX c.2124A>G variant is predicted to result in the amino acid substitution p.Ile708Met. To our knowledge, this variant has not been reported in the literature. This variant is reported in 0.0072% of alleles in individuals of East Asian descent in gnomAD. At this time, the clinical significance of this variant is uncertain due to the absence of conclusive functional and genetic evidence.